The following is an entry in ClinVar:

NM_006505.5(PVR):c.303G>A (p.Ala101=)

Gene: PVR (PVR cell adhesion molecule; plus strand). Cytogenetic location: 19q13.31.
Variant type: single nucleotide variant.
Coding change: c.303G>A on transcript NM_006505.5 (MANE Select); coding-DNA position 303, G replaced by A.
Protein change: p.Ala101=; no amino-acid change (alanine 101 retained).
Molecular consequence: synonymous variant.
Genome position (GRCh38, 1-based): chr19:44,647,446, G>A. VCF-style: chr19-44647446-G-A. GRCh37 (hg19) VCF-style: chr19-45150718-G-A.
Other names: c.303G>A, p.Ala101= (NM_001135768.3, NM_001135769.3, NM_001135770.4).
Identifiers: ClinVar variation 3046976 (VCV003046976.2), dbSNP rs368911732, ClinGen allele CA9502192.

ClinVar aggregate classification (germline): Likely benign (0 of 4 stars; one submission).

Conditions:
PVR-related disorder. Also called: PVR-related condition.

Allele frequency attached by ClinVar (database versions not stated): gnomAD exomes 0.00005; 1000 Genomes Project 30x 0.00016; ExAC 0.00018; 1000 Genomes Project 0.00020; ESP Exome Variant Server 0.00023; gnomAD 0.00030; TOPMed 0.00032.
gnomAD v4.1: 126 of 1,614,064 alleles (0.0078%); highest among the groups gnomAD compares: African/African-American, 0.081%; no homozygotes.

Submission:

PreventionGenetics, part of Exact Sciences
Classification: Likely benign for PVR-related condition. Last evaluated: 2019-04-01. Review status: no assertion criteria provided. Collection method: clinical testing. Allele origin: germline.
Comment: This variant is classified as likely benign based on ACMG/AMP sequence variant interpretation guidelines (Richards et al. 2015 PMID: 25741868, with internal and published modifications).